The following is an entry in ClinVar:

ClinVar aggregate classification (germline): Uncertain significance (1 of 4 stars; one submission).

Conditions:
Early-infantile DEE. Also called: Ohtahara syndrome; Early infantile epileptic encephalopathy with suppression bursts; Early infantile epileptic encephalopathy. Identifiers: Orphanet 1934, MedGen C0393706, MONDO:0800491.

Submission:

Labcorp Genetics (formerly Invitae), Labcorp
Classification: Uncertain significance for Early-infantile DEE. Last evaluated: 2024-05-15. Review status: criteria provided, single submitter. Criteria: Invitae Variant Classification Sherloc (09022015). Collection method: clinical testing. Allele origin: germline.
Comment: This sequence change falls in intron 20 of the SCN1A gene. It does not directly change the encoded amino acid sequence of the SCN1A protein. However, this sequence change falls within a region encompassing a cryptic exon in the SCN1A gene, in which variants have been shown to alter splicing (PMID: 30526861, 34107977). This variant is not present in population databases (gnomAD no frequency). This variant has not been reported in the literature in individuals affected with SCN1A-related conditions. ClinVar contains an entry for this variant (Variation ID: 2039966). Algorithms developed to predict the effect of sequence changes on RNA splicing suggest that this variant is not likely to affect RNA splicing. In summary, the available evidence is currently insufficient to determine the role of this variant in disease. Therefore, it has been classified as a Variant of Uncertain Significance.

Literature cited by the submitters: PubMed 30526861; PubMed 34107977.

NM_001165963.4(SCN1A):c.4002+2184T>G

Genes: SCN1A (sodium voltage-gated channel alpha subunit 1; minus strand), LOC102724058 (uncharacterized LOC102724058; plus strand). Cytogenetic location: 2q24.3.
Variant type: single nucleotide variant.
Coding change: c.4002+2184T>G on transcript NM_001165963.4 (MANE Select); 2184 bases into the intron after coding-DNA position 4002, T replaced by G.
Molecular consequence: intron variant.
Genome position (GRCh38, 1-based): chr2:166,007,535, A>C on the plus strand (T>G on the coding strand, the complement: SCN1A is on the minus strand). VCF-style: chr2-166007535-A-C. GRCh37 (hg19) VCF-style: chr2-166864045-A-C.
Other names: c.3969+2184T>G (NM_001353949.2, NM_001353950.2, NM_001353951.2 and 2 more transcripts); c.3918+2184T>G (NM_001353958.2, NM_001353957.2, NM_001165964.3); c.4002+2184T>G (NM_001202435.3, NM_001353948.2); c.3966+2184T>G (NM_001353955.2, NM_001353954.2); c.3915+2184T>G (NM_001353960.2); c.1560+2184T>G (NM_001353961.2).
Identifiers: ClinVar variation 2039966 (VCV002039966.4), dbSNP rs1691822645, ClinGen allele CA2580064279.